The following is an entry in ClinVar:

ClinVar aggregate classification (germline): Uncertain significance. Review status: criteria provided, multiple submitters, no conflicts (2 of 4 stars). 2 submissions from 2 submitters: Uncertain significance (2). Last evaluated 2025-10-02.

Conditions:
Giant axonal neuropathy 1 (GAN1). Also called: GIANT AXONAL NEUROPATHY 1, AUTOSOMAL RECESSIVE; GAN-Related Neurodegeneration. Identifiers: Orphanet 643, MedGen C1850386, MONDO:0009749, OMIM 256850.
Inborn genetic diseases. Identifiers: MedGen C0950123, MeSH D030342.

Allele frequency attached by ClinVar (database versions not stated): ExAC 0.00002; gnomAD 0.00002; 1000 Genomes Project 0.00020; 1000 Genomes Project 30x 0.00031.
gnomAD v4.1: 17 of 1,614,050 alleles (0.0011%); highest among the groups gnomAD compares: Admixed American, 0.0017%; no homozygotes.

Submissions (2):

Labcorp Genetics (formerly Invitae), Labcorp
Classification: Uncertain significance for Giant axonal neuropathy 1. Last evaluated: 2025-10-02. Review status: criteria provided, single submitter. Criteria: Invitae Variant Classification Sherloc (09022015). Collection method: clinical testing. Allele origin: germline.
Comment: This sequence change replaces arginine, which is basic and polar, with glutamine, which is neutral and polar, at codon 162 of the GAN protein (p.Arg162Gln). This variant is present in population databases (rs555585848, gnomAD 0.004%). This variant has not been reported in the literature in individuals affected with GAN-related conditions. ClinVar contains an entry for this variant (Variation ID: 1743625). Invitae Evidence Modeling of protein sequence and biophysical properties (such as structural, functional, and spatial information, amino acid conservation, physicochemical variation, residue mobility, and thermodynamic stability) indicates that this missense variant is not expected to disrupt GAN protein function with a negative predictive value of 80%. In summary, the available evidence is currently insufficient to determine the role of this variant in disease. Therefore, it has been classified as a Variant of Uncertain Significance.

Ambry Genetics
Classification: Uncertain significance for Inborn genetic diseases. Last evaluated: 2022-01-04. Review status: criteria provided, single submitter. Criteria: Ambry Variant Classification Scheme 2023. Collection method: clinical testing. Allele origin: germline.
Comment: The p.R162Q variant (also known as c.485G>A), located in coding exon 3 of the GAN gene, results from a G to A substitution at nucleotide position 485. The arginine at codon 162 is replaced by glutamine, an amino acid with highly similar properties. This amino acid position is conserved. In addition, this alteration is predicted to be tolerated by in silico analysis. Since supporting evidence is limited at this time, the clinical significance of this alteration remains unclear.

NM_022041.4(GAN):c.485G>A (p.Arg162Gln)

Gene: GAN (gigaxonin; plus strand). Cytogenetic location: 16q23.2.
Variant type: single nucleotide variant.
Coding change: c.485G>A on transcript NM_022041.4 (MANE Select); coding-DNA position 485, G replaced by A.
Protein change: p.Arg162Gln; replaces arginine 162 with glutamine.
Molecular consequence: missense variant. On other transcripts: 5 prime UTR variant (1).
Genome position (GRCh38, 1-based): chr16:81,354,607, G>A. VCF-style: chr16-81354607-G-A. GRCh37 (hg19) VCF-style: chr16-81388212-G-A.
Other names: c.-155G>A (NM_001377486.1); short protein forms R162Q.
Identifiers: ClinVar variation 1743625 (VCV001743625.7), dbSNP rs555585848, ClinGen allele CA8191375.